The following is an entry in ClinVar:

NM_000260.4(MYO7A):c.1792G>A (p.Ala598Thr)

Gene: MYO7A (myosin VIIA; plus strand). Cytogenetic location: 11q13.5.
Variant type: single nucleotide variant.
Coding change: c.1792G>A on transcript NM_000260.4 (MANE Select); coding-DNA position 1792, G replaced by A.
Protein change: p.Ala598Thr; replaces alanine 598 with threonine.
Molecular consequence: missense variant.
Genome position (GRCh38, 1-based): chr11:77,166,157, G>A. VCF-style: chr11-77166157-G-A. GRCh37 (hg19) VCF-style: chr11-76877203-G-A.
Other names: c.1792G>A, p.Ala598Thr (NM_001127180.2); c.1759G>A, p.Ala587Thr (NM_001369365.1); short protein forms A587T, A598T.
Identifiers: ClinVar variation 1064990 (VCV001064990.8), dbSNP rs566111152, ClinGen allele CA6197590.

ClinVar aggregate classification (germline): Uncertain significance. Review status: criteria provided, multiple submitters, no conflicts (2 of 4 stars). 5 submissions from 5 submitters: Uncertain significance (5). Last evaluated 2025-06-12.

Conditions:
Hearing impairment. Also called: Impaired Hearing. Identifiers: MedGen C1384666, MONDO:0005365, HP:0000365.
Inborn genetic diseases. Identifiers: MedGen C0950123, MeSH D030342.

Allele frequency attached by ClinVar (database versions not stated): 1000 Genomes Project 30x 0.00016; 1000 Genomes Project 0.00020; gnomAD 0.00001 and 0.00002; ExAC 0.00002.
gnomAD v4.1: 23 of 1,613,618 alleles (0.0014%); highest among the groups gnomAD compares: Admixed American, 0.0033%; no homozygotes.

Submissions (5):

Labcorp Genetics (formerly Invitae), Labcorp
Classification: Uncertain significance. Last evaluated: 2025-06-12. Review status: criteria provided, single submitter. Criteria: Invitae Variant Classification Sherloc (09022015). Collection method: clinical testing. Allele origin: germline.
Comment: This sequence change replaces alanine, which is neutral and non-polar, with threonine, which is neutral and polar, at codon 598 of the MYO7A protein (p.Ala598Thr). This variant is present in population databases (rs566111152, gnomAD 0.006%). This variant has not been reported in the literature in individuals affected with MYO7A-related conditions. ClinVar contains an entry for this variant (Variation ID: 1064990). Invitae Evidence Modeling of protein sequence and biophysical properties (such as structural, functional, and spatial information, amino acid conservation, physicochemical variation, residue mobility, and thermodynamic stability) indicates that this missense variant is not expected to disrupt MYO7A protein function with a negative predictive value of 95%. In summary, the available evidence is currently insufficient to determine the role of this variant in disease. Therefore, it has been classified as a Variant of Uncertain Significance.

GeneDx
Classification: Uncertain significance. Last evaluated: 2024-10-01. Review status: criteria provided, single submitter. Criteria: GeneDx Variant Classification Process June 2021. Collection method: clinical testing. Allele origin: germline.
Comment: In silico analysis indicates that this missense variant does not alter protein structure/function; Has not been previously published as pathogenic or benign to our knowledge

Blueprint Genetics
Classification: Uncertain significance. Last evaluated: 2024-08-27. Review status: criteria provided, single submitter. Criteria: ACMG Guidelines, 2015. Collection method: clinical testing. Allele origin: germline.

Ambry Genetics
Classification: Uncertain significance for Inborn genetic diseases. Last evaluated: 2022-06-06. Review status: criteria provided, single submitter. Criteria: Ambry Variant Classification Scheme 2023. Collection method: clinical testing. Allele origin: germline.

Department of Otolaryngology – Head & Neck Surgery, Cochlear Implant Center
Classification: Uncertain significance for Hearing impairment. Last evaluated: 2021-04-12. Review status: criteria provided, single submitter. Criteria: ClinGen HL ACMG Specifications v1. Collection method: clinical testing. Allele origin: germline. Affected: yes.
Comment: PM2_Moderate